The following is an entry in ClinVar:

NC_000023.10:g.(31747866_31792076)_(31854937_31893304)dup

Gene: DMD (dystrophin; minus strand). Cytogenetic location: Xp21.1.
Variant type: Duplication.
Identifiers: ClinVar variation 4688261 (VCV004688261.1).

ClinVar aggregate classification (germline): Uncertain significance (1 of 4 stars; one submission).

Submission:

Women's Health and Genetics/Laboratory Corporation of America, LabCorp
Classification: Uncertain significance. Last evaluated: 2025-12-16. Review status: criteria provided, single submitter. Criteria: LabCorp Variant Classification Summary - May 2015. Collection method: clinical testing. Allele origin: germline.
Comment: Variant summary: The variant involves the duplication of exons 49-51 in the DMD gene. A presumed nomenclature of c.(7098+1_7099-1)_(7542+1_7543-1)dup has been designated for the purposes of this classification. It is assumed to be a tandem duplication in direct orientation (PMIDs: 25640679, 30054569). This Copy Number Variant (CNV) is predicted to result in an in-frame duplication within this gene. The variant was absent in 16117 control chromosomes. The available data on variant occurrences in the general population are insufficient to allow any conclusion about variant significance. A similar copy number variant has been observed as part of a complex gene rearrangement (with a pathogenic frameshift variant) in at least 1 individual(s) affected with clinical features of Duchenne Muscular Dystrophy (Li_2011, Yang_2013). Further, similar and/or nearby duplications have been reported in other individuals with DMD-related conditions, however their identity could not be independently validated (Hiyama_1993). These report(s) do not provide unequivocal conclusions about association of the variant with Duchenne Muscular Dystrophy. To our knowledge, no experimental evidence demonstrating an impact on protein function has been reported. The following publications have been ascertained in the context of this evaluation (PMID: 21402533, 25380242, 23453023, 8358041). ClinVar contains an entry for this variant (Variation ID: 639869). Based on the evidence outlined above, the variant was classified as uncertain significance.

Literature cited by the submitters: PubMed 25380242; PubMed 8358041; PubMed 21402533; PubMed 23453023.